The following is an entry in ClinVar:

ClinVar aggregate classification (germline): Uncertain significance (1 of 4 stars; one submission).

Conditions:
Hereditary cancer-predisposing syndrome. Also called: Hereditary neoplastic syndrome; Neoplastic Syndromes, Hereditary; Tumor predisposition; Hereditary Cancer Syndrome. Identifiers: Orphanet 140162, MedGen C0027672, MeSH D009386, MONDO:0015356.

Submission:

Ambry Genetics
Classification: Uncertain significance for Hereditary cancer-predisposing syndrome. Last evaluated: 2025-08-11. Review status: criteria provided, single submitter. Criteria: Ambry Variant Classification Scheme 2023. Collection method: clinical testing. Allele origin: germline.
Comment: The c.2449delC variant, located in coding exon 19 of the POLD1 gene, results from a deletion of one nucleotide at nucleotide position 2449, causing a translational frameshift with a predicted alternate stop codon (p.R817Gfs*71). This alteration is expected to result in protein truncation or nonsense-mediated mRNA decay. However, loss of function of POLD1 has not been established as a mechanism of disease. Based on the available evidence, the clinical significance of this alteration remains unclear.

NM_002691.4(POLD1):c.2449del (p.Arg817fs)

Gene: POLD1 (DNA polymerase delta 1, catalytic subunit; plus strand). Cytogenetic location: 19q13.33.
Variant type: Deletion.
Coding change: c.2449del on transcript NM_002691.4 (MANE Select); coding-DNA position 2449, one base deleted (C; older notation c.2449delC).
Protein change: p.Arg817fs; shifts the reading frame from arginine 817.
Molecular consequence: frameshift variant. On other transcripts: non-coding transcript variant (1).
Genome position (GRCh38, 1-based): chr19:50,414,875, C deleted; the last of 3 consecutive C bases (chr19:50,414,873-50,414,875); deleting any one gives the same sequence. VCF-style (leftmost placement, unchanged base first): chr19-50414872-TC-T. GRCh37 (hg19) VCF-style: chr19-50918129-TC-T.
Other names: c.2449del, p.Arg817fs (NM_001438212.1, NM_001438213.1, NM_001256849.1); c.2527del, p.Arg843fs (NM_001308632.1); c.2377del, p.Arg793fs (NM_001438210.1, NM_001438211.1); short protein forms R843fs, R793fs, R817fs.
Identifiers: ClinVar variation 4141018 (VCV004141018.1).